The following is an entry in ClinVar:

NM_004211.5(SLC6A5):c.1042A>C (p.Met348Leu)

Gene: SLC6A5 (solute carrier family 6 member 5; plus strand). Cytogenetic location: 11p15.1.
Variant type: single nucleotide variant.
Coding change: c.1042A>C on transcript NM_004211.5 (MANE Select); coding-DNA position 1042, A replaced by C.
Protein change: p.Met348Leu; replaces methionine 348 with leucine.
Molecular consequence: missense variant.
Genome position (GRCh38, 1-based): chr11:20,614,735, A>C. VCF-style: chr11-20614735-A-C. GRCh37 (hg19) VCF-style: chr11-20636281-A-C.
Other names: c.340A>C, p.Met114Leu (NM_001318369.2); short protein forms M114L, M348L.
Identifiers: ClinVar variation 1986179 (VCV001986179.1), dbSNP rs747139004, ClinGen allele CA5921292.

ClinVar aggregate classification (germline): Uncertain significance (1 of 4 stars; one submission).

Conditions:
Hyperekplexia 3 (HKPX3). Also called: HYPEREKPLEXIA 3, AUTOSOMAL RECESSIVE; HYPEREKPLEXIA 3, AUTOSOMAL DOMINANT. Identifiers: Orphanet 3197, MedGen C3553288, MONDO:0013827, OMIM 614618.

Allele frequency attached by ClinVar (database versions not stated): ExAC 0.00001.

Submission:

Labcorp Genetics (formerly Invitae), Labcorp
Classification: Uncertain significance for Hyperekplexia 3. Last evaluated: 2022-02-15. Review status: criteria provided, single submitter. Criteria: Invitae Variant Classification Sherloc (09022015). Collection method: clinical testing. Allele origin: germline.
Comment: This sequence change replaces methionine, which is neutral and non-polar, with leucine, which is neutral and non-polar, at codon 348 of the SLC6A5 protein (p.Met348Leu). This variant is present in population databases (rs747139004, gnomAD 0.008%). This variant has not been reported in the literature in individuals affected with SLC6A5-related conditions. Advanced modeling of protein sequence and biophysical properties (such as structural, functional, and spatial information, amino acid conservation, physicochemical variation, residue mobility, and thermodynamic stability) performed at Invitae indicates that this missense variant is not expected to disrupt SLC6A5 protein function. In summary, the available evidence is currently insufficient to determine the role of this variant in disease. Therefore, it has been classified as a Variant of Uncertain Significance.